The following is an entry in ClinVar:

ClinVar aggregate classification (germline): Pathogenic. Review status: criteria provided, multiple submitters, no conflicts (2 of 4 stars). 2 submissions from 2 submitters: Pathogenic (2). Last evaluated 2024-12-16.

Conditions:
ABHD12-related disorder. Also called: ABHD12-related condition.

Allele frequency attached by ClinVar (database versions not stated): gnomAD 0.00001; gnomAD exomes 0.00001 and 0.00002; TOPMed 0.00001; ExAC 0.00004.

Submissions (2):

Labcorp Genetics (formerly Invitae), Labcorp
Classification: Pathogenic. Last evaluated: 2024-12-16. Review status: criteria provided, single submitter. Criteria: Invitae Variant Classification Sherloc (09022015). Collection method: clinical testing. Allele origin: germline.
Comment: This sequence change creates a premature translational stop signal (p.Arg262*) in the ABHD12 gene. It is expected to result in an absent or disrupted protein product. Loss-of-function variants in ABHD12 are known to be pathogenic (PMID: 20797687). The frequency data for this variant in the population databases is considered unreliable, as metrics indicate poor data quality at this position in the gnomAD database. This premature translational stop signal has been observed in individual(s) with clinical features of polyneuropathy, hearing loss, ataxia, retinitis pigmentosa, and cataract (PMID: 32077159). ClinVar contains an entry for this variant (Variation ID: 1433990). For these reasons, this variant has been classified as Pathogenic.

Blueprint Genetics
Classification: Pathogenic for ABHD12-related disorders. Last evaluated: 2024-08-01. Review status: criteria provided, single submitter. Criteria: ACMG Guidelines, 2015. Collection method: clinical testing. Allele origin: germline. Affected: yes. Observed: 5 variant alleles.

Literature cited by the submitters: PubMed 20797687 (cited by Labcorp Genetics (formerly Invitae), Labcorp); PubMed 32077159 (cited by Labcorp Genetics (formerly Invitae), Labcorp).

NM_001042472.3(ABHD12):c.784C>T (p.Arg262Ter)

Gene: ABHD12 (abhydrolase domain containing 12, lysophospholipase; minus strand). Cytogenetic location: 20p11.21.
Variant type: single nucleotide variant.
Coding change: c.784C>T on transcript NM_001042472.3 (MANE Select); coding-DNA position 784, C replaced by T.
Protein change: p.Arg262Ter; replaces arginine 262 with a stop codon.
Molecular consequence: nonsense.
Genome position (GRCh38, 1-based): chr20:25,308,460, G>A on the plus strand (C>T on the coding strand, the complement: ABHD12 is on the minus strand). VCF-style: chr20-25308460-G-A. GRCh37 (hg19) VCF-style: chr20-25289096-G-A.
Other names: c.784C>T, p.Arg262Ter (NM_015600.5); short protein forms R262*.
Identifiers: ClinVar variation 1433990 (VCV001433990.9), dbSNP rs773146728, ClinGen allele CA9796002.
Genomic context (GRCh38, chr20:25,308,460, plus strand): 5'-GACTGGGGAGCACCCTGAATGCTCACTGCCACGGCTGGGGCCCAACAAGGCACTCACCTC[G>A]CTCACAGAGGCGCCGCACCAGATTTGTCGCCACGCTAGGAAAAAAGAAAAACAGCTTAGT-3'